The following is an entry in ClinVar:

ClinVar aggregate classification (germline): Likely benign. Review status: criteria provided, multiple submitters, no conflicts (2 of 4 stars). 3 submissions from 3 submitters: Likely benign (3). Last evaluated 2025-06-01.

Conditions:
Neurofibromatosis, type 1 (NF1). Also called: VON RECKLINGHAUSEN DISEASE; NEUROFIBROMATOSIS, TYPE I, SOMATIC; Peripheral type neurofibromatosis; Neurofibromatosis, type I. Identifiers: Orphanet 636, MedGen C0027831, MONDO:0018975, OMIM 162200. Disease mechanism: loss of function.
Hereditary cancer-predisposing syndrome. Also called: Neoplastic Syndromes, Hereditary; Tumor predisposition; Hereditary neoplastic syndrome; Hereditary Cancer Syndrome. Identifiers: Orphanet 140162, MedGen C0027672, MeSH D009386, MONDO:0015356.
Cardiovascular phenotype. Identifiers: MedGen CN230736.

Allele frequency attached by ClinVar (database versions not stated): gnomAD 0.00001.
gnomAD v4.1: 1 of 1,614,082 alleles (0.000062%); highest among the groups gnomAD compares: South Asian, 0.0011%; no homozygotes.

Submissions (3):

Labcorp Genetics (formerly Invitae), Labcorp
Classification: Likely benign for Neurofibromatosis, type 1. Last evaluated: 2025-06-01. Review status: criteria provided, single submitter. Criteria: Invitae Variant Classification Sherloc (09022015). Collection method: clinical testing. Allele origin: germline.

CeGaT Center for Human Genetics Tuebingen
Classification: Likely benign. Last evaluated: 2024-05-01. Review status: criteria provided, single submitter. Criteria: CeGaT Center For Human Genetics Tuebingen Variant Classification Criteria Version 2. Collection method: clinical testing. Allele origin: germline. Affected: yes. Observed: 1 variant allele.
Comment: NF1: BP4, BP7

Ambry Genetics
Classification: Likely benign for Cardiovascular phenotype; Hereditary cancer-predisposing syndrome. Last evaluated: 2019-12-29. Review status: criteria provided, single submitter. Criteria: Ambry Variant Classification Scheme 2023. Collection method: clinical testing. Allele origin: germline.

NM_001042492.3(NF1):c.5325A>G (p.Gln1775=)

Gene: NF1 (neurofibromin 1; plus strand). Cytogenetic location: 17q11.2.
Variant type: single nucleotide variant.
Coding change: c.5325A>G on transcript NM_001042492.3 (MANE Select); coding-DNA position 5325, A replaced by G.
Protein change: p.Gln1775=; no amino-acid change (glutamine 1775 retained).
Molecular consequence: synonymous variant.
Genome position (GRCh38, 1-based): chr17:31,327,555, A>G. VCF-style: chr17-31327555-A-G. GRCh37 (hg19) VCF-style: chr17-29654573-A-G.
Other names: c.5262A>G, p.Gln1754= (NM_000267.4).
Identifiers: ClinVar variation 1091976 (VCV001091976.28), dbSNP rs2069376896, ClinGen allele CA499233333.